The following is an entry in ClinVar:

ClinVar aggregate classification (germline): Uncertain significance (1 of 4 stars; one submission).

Conditions:
Aortic valve disease 2 (AOVD2). Identifiers: MedGen C3542024, MONDO:0013902, OMIM 614823.

gnomAD v4.1: 10 of 1,611,120 alleles (0.00062%); highest among the groups gnomAD compares: African/African-American, 0.0027%; no homozygotes.

Submission:

Labcorp Genetics (formerly Invitae), Labcorp
Classification: Uncertain significance for Aortic valve disease 2. Last evaluated: 2025-08-07. Review status: criteria provided, single submitter. Criteria: Invitae Variant Classification Sherloc (09022015). Collection method: clinical testing. Allele origin: germline.
Comment: This sequence change affects an acceptor splice site in intron 2 of the SMAD6 gene. It is expected to disrupt RNA splicing. Variants that disrupt the donor or acceptor splice site typically lead to a loss of protein function (PMID: 16199547), however the current clinical and genetic evidence is not sufficient to establish whether loss-of-function variants in SMAD6 cause disease. This variant is present in population databases (no rsID available, gnomAD 0.006%). This variant has not been reported in the literature in individuals affected with SMAD6-related conditions. ClinVar contains an entry for this variant (Variation ID: 835853). Algorithms developed to predict the effect of sequence changes on RNA splicing suggest that this variant may disrupt the consensus splice site. In summary, the available evidence is currently insufficient to determine the role of this variant in disease. Therefore, it has been classified as a Variant of Uncertain Significance.

Literature cited by the submitters: PubMed 16199547.

NM_005585.5(SMAD6):c.875-1G>C

Gene: SMAD6 (SMAD family member 6; plus strand). Cytogenetic location: 15q22.31.
Variant type: single nucleotide variant.
Coding change: c.875-1G>C on transcript NM_005585.5 (MANE Select); the canonical splice acceptor site of the intron before coding-DNA position 875, G replaced by C.
Molecular consequence: splice acceptor variant.
Genome position (GRCh38, 1-based): chr15:66,716,420, G>C. VCF-style: chr15-66716420-G-C. GRCh37 (hg19) VCF-style: chr15-67008758-G-C.
Identifiers: ClinVar variation 835853 (VCV000835853.8), dbSNP rs768925483, ClinGen allele CA392951449.